The following is an entry in ClinVar:

NM_001164508.2(NEB):c.22931del (p.Glu7644fs)

Genes: NEB (nebulin; minus strand), RIF1 (replication timing regulatory factor 1; plus strand). Cytogenetic location: 2q23.3.
Variant type: Deletion.
Coding change: c.22931del on transcript NM_001164508.2 (MANE Select); coding-DNA position 22931, one base deleted (A; older notation c.22931delA).
Protein change: p.Glu7644fs; shifts the reading frame from glutamic acid 7644.
Molecular consequence: frameshift variant.
Genome position (GRCh38, 1-based): chr2:151,514,903, T deleted on the plus strand (A on the coding strand, the reverse complement: NEB is on the minus strand). VCF-style (leftmost placement, unchanged base first): chr2-151514902-CT-C. GRCh37 (hg19) VCF-style: chr2-152371416-CT-C.
Other names: c.22931del, p.Glu7644fs (NM_001164507.2); c.23036del, p.Glu7679fs (NM_001271208.2); c.17828del, p.Glu5943fs (NM_004543.5); short protein forms E7644fs, E5943fs, E7679fs.
Identifiers: ClinVar variation 2030542 (VCV002030542.5), dbSNP rs2552081244, ClinGen allele CA2580063979.

ClinVar aggregate classification (germline): Pathogenic. Review status: criteria provided, multiple submitters, no conflicts (2 of 4 stars). 2 submissions from 2 submitters: Pathogenic (2). Last evaluated 2024-05-08.

Conditions:
Nemaline myopathy 2 (NEM2). Also called: Nemaline myopathy 2, autosomal recessive. Identifiers: MedGen C1850569, MONDO:0009725, OMIM 256030.

Submissions (2):

Myriad Genetics, Inc.
Classification: Pathogenic for Nemaline myopathy 2. Last evaluated: 2024-05-08. Review status: criteria provided, single submitter. Criteria: Myriad Autosomal Dominant, Autosomal Recessive and X-Linked Classification Criteria (2023). Collection method: clinical testing. Allele origin: unknown.
Comment: NM_001271208.1(NEB):c.23036delA(E7679Gfs*8) is expected to be pathogenic in the context of NEB-related nemaline myopathy. This variant is predicted to lead to an abnormal or absent protein product due to the creation of a premature termination codon in NEB, a gene where loss-of-function variants are known to be pathogenic. Please note: this variant was assessed in the context of healthy population screening.

Labcorp Genetics (formerly Invitae), Labcorp
Classification: Pathogenic for Nemaline myopathy 2. Last evaluated: 2022-09-14. Review status: criteria provided, single submitter. Criteria: Invitae Variant Classification Sherloc (09022015). Collection method: clinical testing. Allele origin: germline.
Comment: Algorithms developed to predict the effect of sequence changes on RNA splicing suggest that this variant may disrupt the consensus splice site. For these reasons, this variant has been classified as Pathogenic. This variant has not been reported in the literature in individuals affected with NEB-related conditions. This variant is not present in population databases (gnomAD no frequency). This sequence change creates a premature translational stop signal (p.Glu7679Glyfs*8) in the NEB gene. It is expected to result in an absent or disrupted protein product. Loss-of-function variants in NEB are known to be pathogenic (PMID: 25205138).

Literature cited by the submitters: PubMed 25205138 (cited by Labcorp Genetics (formerly Invitae), Labcorp).